The following is an entry in ClinVar:

NM_003839.4(TNFRSF11A):c.1796G>C (p.Arg599Pro)

Gene: TNFRSF11A (TNF receptor superfamily member 11a; plus strand). Cytogenetic location: 18q21.33.
Variant type: single nucleotide variant.
Coding change: c.1796G>C on transcript NM_003839.4 (MANE Select); coding-DNA position 1796, G replaced by C.
Protein change: p.Arg599Pro; replaces arginine 599 with proline.
Molecular consequence: missense variant. On other transcripts: 3 prime UTR variant (1).
Genome position (GRCh38, 1-based): chr18:62,384,979, G>C. VCF-style: chr18-62384979-G-C. GRCh37 (hg19) VCF-style: chr18-60052212-G-C.
Other names: c.*220G>C (NM_001270949.2); c.959G>C, p.Arg320Pro (NM_001270950.2); c.845G>C, p.Arg282Pro (NM_001270951.2); c.1754G>C, p.Arg585Pro (NM_001278268.2); short protein forms R282P, R320P, R585P, R599P.
Identifiers: ClinVar variation 1953506 (VCV001953506.5), dbSNP rs1262419198, ClinGen allele CA402620832.
Genomic context (GRCh38, chr18:62,384,979, plus strand): 5'-ACTCCTTCGCGGGGAACGGCCCGCGCTTCCCGGACCCGTGCGGCGGCCCCGAGGGGCTGC[G>C]GGAGCCGGAGAAGGCCTCGAGGCCGGTGCAGGAGCAAGGCGGGGCCAAGGCTTGAGCGCC-3'
Protein context (NP_003830.1, residues 589-609): PDPCGGPEGL[Arg599Pro]EPEKASRPVQ

ClinVar aggregate classification (germline): Uncertain significance (1 of 4 stars; one submission).

Submission:

Labcorp Genetics (formerly Invitae), Labcorp
Classification: Uncertain significance. Last evaluated: 2025-10-14. Review status: criteria provided, single submitter. Criteria: Invitae Variant Classification Sherloc (09022015). Collection method: clinical testing. Allele origin: germline.
Comment: This sequence change replaces arginine, which is basic and polar, with proline, which is neutral and non-polar, at codon 599 of the TNFRSF11A protein (p.Arg599Pro). This variant is not present in population databases (gnomAD no frequency). This variant has not been reported in the literature in individuals affected with TNFRSF11A-related conditions. ClinVar contains an entry for this variant (Variation ID: 1953506). An algorithm developed to predict the effect of missense changes on protein structure and function (PolyPhen-2) suggests that this variant is likely to be tolerated. In summary, the available evidence is currently insufficient to determine the role of this variant in disease. Therefore, it has been classified as a Variant of Uncertain Significance.